The following is an entry in ClinVar:

ClinVar aggregate classification (germline): Conflicting classifications of pathogenicity. Review status: criteria provided, conflicting classifications (1 of 4 stars). 2 submissions from 2 submitters: Uncertain significance (1); Likely benign (1). Last evaluated 2025-07-08.

Allele frequency attached by ClinVar (database versions not stated): TOPMed 0.00002; ExAC 0.00002; gnomAD 0.00001; gnomAD exomes 0.00002.
gnomAD v4.1: 28 of 1,613,906 alleles (0.0017%); highest among the groups gnomAD compares: Admixed American, 0.012%; no homozygotes.

Submissions (2):

Ambry Genetics
Classification: Likely benign. Last evaluated: 2025-07-08. Review status: criteria provided, single submitter. Criteria: Ambry Variant Classification Scheme 2023. Collection method: clinical testing. Allele origin: germline.

Labcorp Genetics (formerly Invitae), Labcorp
Classification: Uncertain significance. Last evaluated: 2025-03-27. Review status: criteria provided, single submitter. Criteria: Invitae Variant Classification Sherloc (09022015). Collection method: clinical testing. Allele origin: germline.
Comment: This sequence change replaces alanine, which is neutral and non-polar, with serine, which is neutral and polar, at codon 340 of the SUCLG2 protein (p.Ala340Ser). This variant is present in population databases (rs749647393, gnomAD 0.009%). This variant has not been reported in the literature in individuals affected with SUCLG2-related conditions. ClinVar contains an entry for this variant (Variation ID: 2902945). An algorithm developed to predict the effect of missense changes on protein structure and function outputs the following: PolyPhen-2: "Benign". The serine amino acid residue is found in multiple mammalian species, which suggests that this missense change does not adversely affect protein function. In summary, the available evidence is currently insufficient to determine the role of this variant in disease. Therefore, it has been classified as a Variant of Uncertain Significance.

NM_003848.4(SUCLG2):c.1018G>T (p.Ala340Ser)

Gene: SUCLG2 (succinate-CoA ligase GDP-forming subunit beta; minus strand). Cytogenetic location: 3p14.1.
Variant type: single nucleotide variant.
Coding change: c.1018G>T on transcript NM_003848.4 (MANE Select); coding-DNA position 1018, G replaced by T.
Protein change: p.Ala340Ser; replaces alanine 340 with serine.
Molecular consequence: missense variant.
Genome position (GRCh38, 1-based): chr3:67,495,842, C>A on the plus strand (G>T on the coding strand, the complement: SUCLG2 is on the minus strand). VCF-style: chr3-67495842-C-A. GRCh37 (hg19) VCF-style: chr3-67546266-C-A.
Other names: c.1018G>T (NM_001177599.1); c.1018G>T, p.Ala340Ser (NM_001177599.2); short protein forms A340S.
Identifiers: ClinVar variation 2902945 (VCV002902945.4), dbSNP rs749647393, ClinGen allele CA2485824.